The following is an entry in ClinVar:

ClinVar aggregate classification (germline): Likely pathogenic (1 of 4 stars; one submission).

Conditions:
Charlevoix-Saguenay spastic ataxia (SACS). Also called: SPASTIC ATAXIA 6, AUTOSOMAL RECESSIVE; AUTOSOMAL RECESSIVE SPASTIC ATAXIA OF CHARLEVOIX-SAGUENAY; Spastic ataxia of Charlevoix-Saguenay. Identifiers: Orphanet 98, MedGen C1849140, MONDO:0010041, OMIM 270550.

Submission:

Myriad Genetics, Inc.
Classification: Likely pathogenic for Charlevoix-Saguenay spastic ataxia. Last evaluated: 2025-07-25. Review status: criteria provided, single submitter. Criteria: Myriad Autosomal Dominant, Autosomal Recessive and X-Linked Classification Criteria (2023). Collection method: clinical testing. Allele origin: unknown.
Comment: NM_014363.4(SACS):c.171+2T>A is a variant in a canonical splice site classified as likely pathogenic in the context of autosomal recessive spastic ataxia of Charlevoix-Saguenay. c.171+2T>A has not been observed in cases with relevant disease. Relevant functional assessments of this variant are not available in the literature. c.171+2T>A has not been observed in referenced population frequency databases. In summary, NM_014363.4(SACS):c.171+2T>A is a variant in a canonical splice site in a gene where loss of function is a known mechanism of disease and is predicted to disrupt protein function. Please note: this variant was assessed in the context of healthy population screening.

NM_014363.6(SACS):c.171+2T>A

Genes: SACS (sacsin molecular chaperone; minus strand), LOC130009366 (ATAC-STARR-seq lymphoblastoid silent region 5172; plus strand). Cytogenetic location: 13q12.12.
Variant type: single nucleotide variant.
Coding change: c.171+2T>A on transcript NM_014363.6 (MANE Select); the canonical splice donor site of the intron after coding-DNA position 171, T replaced by A.
Molecular consequence: splice donor variant.
Genome position (GRCh38, 1-based): chr13:23,375,117, A>T on the plus strand (T>A on the coding strand, the complement: SACS is on the minus strand). VCF-style: chr13-23375117-A-T. GRCh37 (hg19) VCF-style: chr13-23949256-A-T.
Other names: c.171+2T>A (NM_001437336.1); c.-183+2T>A (NM_001278055.2).
Identifiers: ClinVar variation 5003789 (VCV005003789.1).